The following is an entry in ClinVar:

ClinVar aggregate classification (germline): Benign/Likely benign. Review status: criteria provided, multiple submitters, no conflicts (2 of 4 stars). 6 submissions from 6 submitters: Benign (1); Likely benign (5). Last evaluated 2026-01-13.

Conditions:
LDB3-related disorder. Also called: LDB3-related condition.
Myofibrillar myopathy 4. Also called: Zaspopathy (type). Identifiers: Orphanet 98912, MedGen C4721886, MONDO:0012277, OMIM 609452.

Allele frequency attached by ClinVar (database versions not stated): TOPMed 0.00005; gnomAD 0.00006.
gnomAD v4.1: 79 of 1,586,812 alleles (0.005%); highest among the groups gnomAD compares: Admixed American, 0.0089%; no homozygotes.

Submissions (6):

Labcorp Genetics (formerly Invitae), Labcorp
Classification: Likely benign for Myofibrillar myopathy 4. Last evaluated: 2026-01-13. Review status: criteria provided, single submitter. Criteria: Invitae Variant Classification Sherloc (09022015). Collection method: clinical testing. Allele origin: germline.

PreventionGenetics, part of Exact Sciences
Classification: Likely benign for LDB3-related condition. Last evaluated: 2025-08-31. Review status: criteria provided, single submitter. Criteria: ACMG Guidelines, 2015. Collection method: clinical testing. Allele origin: germline.
Comment: This variant is classified as likely benign based on ACMG/AMP sequence variant interpretation guidelines (Richards et al. 2015 PMID: 25741868, with internal and published modifications).

Blueprint Genetics
Classification: Likely benign. Last evaluated: 2023-11-24. Review status: criteria provided, single submitter. Criteria: ACMG Guidelines, 2015. Collection method: clinical testing. Allele origin: germline.

GeneDx
Classification: Likely benign. Last evaluated: 2018-04-25. Review status: criteria provided, single submitter. Criteria: GeneDx Variant Classification Process June 2021. Collection method: clinical testing. Allele origin: germline. Affected: yes.

Women's Health and Genetics/Laboratory Corporation of America, LabCorp
Classification: Benign. Last evaluated: 2017-10-02. Review status: criteria provided, single submitter. Criteria: LabCorp Variant Classification Summary - May 2015. Collection method: clinical testing. Allele origin: germline.
Comment: Variant summary: The LDB3 c.689+9C>T variant causes a missense change involving the alteration of a non-conserved intronic nucleotide. One in silico tool predicts a damaging outcome for this variant. 5/5 splice prediction tools predict no significant impact on normal splicing. However, these predictions have yet to be confirmed by functional studies. The variant was found in the control population dataset of gnomAD in 0.0000675, which is approximately 3 times the estimated maximal expected allele frequency of a pathogenic LDB3 variant (0.000025), suggesting this variant is likely a benign polymorphism. In addition, multiple clinical diagnostic laboratories/reputable databases classified this variant as likely benign. The variant of interest has not, to our knowledge, been reported in affected individuals via publications nor evaluated for functional impact by in vivo/vitro studies. Taken together, this variant is classified as benign.

Laboratory for Molecular Medicine, Mass General Brigham Personalized Medicine
Classification: Likely benign. Last evaluated: 2014-03-14. Review status: criteria provided, single submitter. Criteria: LMM Criteria. Collection method: clinical testing. Allele origin: germline. Observed: 1 variant allele.
Comment: 689+9C>T in intron 4 of LDB3: This variant is not expected to have clinical sign ificance because it is not located within the splice consensus sequence. 689+9 C>T in intron 4 of LDB3 (allele frequency = n/a)

NM_007078.3(LDB3):c.689+9C>T

Gene: LDB3 (LIM domain binding 3; plus strand). Cytogenetic location: 10q23.2.
Variant type: single nucleotide variant.
Coding change: c.689+9C>T on transcript NM_007078.3 (MANE Select); 9 bases into the intron after coding-DNA position 689, C replaced by T.
Molecular consequence: intron variant.
Genome position (GRCh38, 1-based): chr10:86,681,812, C>T. VCF-style: chr10-86681812-C-T. GRCh37 (hg19) VCF-style: chr10-88441569-C-T.
Other names: c.689+9C>T (NM_001171610.1, NM_001368064.1, NM_001368063.1 and 4 more transcripts); c.321+1655C>T (NM_001080116.1, NM_001368068.1, NM_001368066.1 and 2 more transcripts).
Identifiers: ClinVar variation 163831 (VCV000163831.19), dbSNP rs727503124, ClinGen allele CA176540.